The following is an entry in ClinVar:

NM_012281.3(KCND2):c.95G>A (p.Arg32Lys)

Gene: KCND2 (potassium voltage-gated channel subfamily D member 2; plus strand). Cytogenetic location: 7q31.31.
Variant type: single nucleotide variant.
Coding change: c.95G>A on transcript NM_012281.3 (MANE Select); coding-DNA position 95, G replaced by A.
Protein change: p.Arg32Lys; replaces arginine 32 with lysine.
Molecular consequence: missense variant.
Genome position (GRCh38, 1-based): chr7:120,274,727, G>A. VCF-style: chr7-120274727-G-A. GRCh37 (hg19) VCF-style: chr7-119914781-G-A.
Other names: short protein forms R32K.
Identifiers: ClinVar variation 2011151 (VCV002011151.4), dbSNP rs2546906850, ClinGen allele CA369130813.

ClinVar aggregate classification (germline): Uncertain significance (1 of 4 stars; one submission).

Conditions:
Early Myoclonic Encephalopathy. Identifiers: MedGen C0270855.

Submission:

Labcorp Genetics (formerly Invitae), Labcorp
Classification: Uncertain significance for Early Myoclonic Encephalopathy. Last evaluated: 2022-10-18. Review status: criteria provided, single submitter. Criteria: Invitae Variant Classification Sherloc (09022015). Collection method: clinical testing. Allele origin: germline.
Comment: Advanced modeling of protein sequence and biophysical properties (such as structural, functional, and spatial information, amino acid conservation, physicochemical variation, residue mobility, and thermodynamic stability) performed at Invitae indicates that this missense variant is not expected to disrupt KCND2 protein function. In summary, the available evidence is currently insufficient to determine the role of this variant in disease. Therefore, it has been classified as a Variant of Uncertain Significance. This variant has not been reported in the literature in individuals affected with KCND2-related conditions. This variant is not present in population databases (gnomAD no frequency). This sequence change replaces arginine, which is basic and polar, with lysine, which is basic and polar, at codon 32 of the KCND2 protein (p.Arg32Lys).